The following is an entry in ClinVar:

ClinVar aggregate classification (germline): Uncertain significance. Review status: criteria provided, multiple submitters, no conflicts (2 of 4 stars). 3 submissions from 3 submitters: Uncertain significance (3). Last evaluated 2023-07-11.

Conditions:
PKHD1-related disorder. Also called: PKHD1-related condition.
Autosomal recessive polycystic kidney disease (ARPKD). Also called: AR polycystic kidney disease. Identifiers: Orphanet 731, Orphanet 8378, MedGen C0085548, MeSH D017044, MONDO:0009889.
Polycystic kidney disease 4 (PKD4). Also called: POLYCYSTIC KIDNEY AND HEPATIC DISEASE 1; POLYCYSTIC KIDNEY DISEASE, INFANTILE, TYPE I; PKD3; POLYCYSTIC KIDNEY DISEASE 4 WITH OR WITHOUT POLYCYSTIC LIVER DISEASE; Autosomal Recessive Polycystic Kidney Disease – PKHD1. Identifiers: MedGen C4540575, MONDO:0033004, OMIM 263200.

Allele frequency attached by ClinVar (database versions not stated): gnomAD exomes 0.00004; ExAC 0.00005.
gnomAD v4.1: 27 of 1,613,422 alleles (0.0017%); highest among the groups gnomAD compares: Non-Finnish European, 0.0021%; no homozygotes.

Submissions (3):

PreventionGenetics, part of Exact Sciences
Classification: Uncertain significance for PKHD1-related condition. Last evaluated: 2023-07-11. Review status: criteria provided, single submitter. Criteria: ACMG Guidelines, 2015. Collection method: clinical testing. Allele origin: germline.
Comment: The PKHD1 c.6626T>C variant is predicted to result in the amino acid substitution p.Leu2209Ser. To our knowledge, this variant has not been reported in the literature. This variant is reported in 0.0079% of alleles in individuals of European (Non-Finnish) descent in gnomAD. At this time, the clinical significance of this variant is uncertain due to the absence of conclusive functional and genetic evidence.

Labcorp Genetics (formerly Invitae), Labcorp
Classification: Uncertain significance for Autosomal recessive polycystic kidney disease. Last evaluated: 2021-09-01. Review status: criteria provided, single submitter. Criteria: Invitae Variant Classification Sherloc (09022015). Collection method: clinical testing. Allele origin: germline.
Comment: This sequence change replaces leucine with serine at codon 2209 of the PKHD1 protein (p.Leu2209Ser). The leucine residue is weakly conserved and there is a large physicochemical difference between leucine and serine. This variant is present in population databases (rs757627773, ExAC 0.009%). This variant has not been reported in the literature in individuals affected with PKHD1-related conditions. Algorithms developed to predict the effect of missense changes on protein structure and function are either unavailable or do not agree on the potential impact of this missense change (SIFT: "Deleterious"; PolyPhen-2: "Possibly Damaging"; Align-GVGD: "Class C0"). In summary, the available evidence is currently insufficient to determine the role of this variant in disease. Therefore, it has been classified as a Variant of Uncertain Significance.

Department of Pathology and Laboratory Medicine, Sinai Health System
Classification: Uncertain significance for Polycystic kidney disease 4. Last evaluated: 2021-08-04. Review status: criteria provided, single submitter. Criteria: ACMG Guidelines, 2015. Collection method: research. Allele origin: germline.

NM_138694.4(PKHD1):c.6626T>C (p.Leu2209Ser)

Gene: PKHD1 (PKHD1 ciliary IPT domain containing fibrocystin/polyductin; minus strand). Cytogenetic location: 6p12.2.
Variant type: single nucleotide variant.
Coding change: c.6626T>C on transcript NM_138694.4 (MANE Select); coding-DNA position 6626, T replaced by C.
Protein change: p.Leu2209Ser; replaces leucine 2209 with serine.
Molecular consequence: missense variant.
Genome position (GRCh38, 1-based): chr6:51,909,339, A>G on the plus strand (T>C on the coding strand, the complement: PKHD1 is on the minus strand). VCF-style: chr6-51909339-A-G. GRCh37 (hg19) VCF-style: chr6-51774137-A-G.
Other names: c.6626T>C (NM_138694.3); c.6626T>C, p.Leu2209Ser (NM_170724.3); short protein forms L2209S.
Identifiers: ClinVar variation 1363671 (VCV001363671.7), dbSNP rs757627773, ClinGen allele CA3852217.
Genomic context (GRCh38, chr6:51,909,339, plus strand): 5'-TTACCTCTCATAGCTCCCACCAGAGTGAGTGAGCTCAGATGCTTATGGAAGGCTTGCCCC[A>G]AGACTTGAAACTGCACTCCCTTCAACTGGACCTGGCTGGGCTCTTCTGGGAAGGACTGAA-3'
Protein context (NP_619639.3, residues 2199-2219): VQLKGVQFQV[Leu2209Ser]GQAFHKHLSS